The following is an entry in ClinVar:

ClinVar aggregate classification (germline): Likely benign. Review status: criteria provided, multiple submitters, no conflicts (2 of 4 stars). 4 submissions from 4 submitters: Likely benign (4). Last evaluated 2026-07-17.

Conditions:
TSPEAR-related disorder. Also called: TSPEAR-related condition.

Allele frequency attached by ClinVar (database versions not stated): gnomAD exomes 0.00001 and 0.00005; ExAC 0.00003; gnomAD 0.00019 and 0.00020; TOPMed 0.00027; ESP Exome Variant Server 0.00031.
gnomAD v4.1: 55 of 1,614,082 alleles (0.0034%); highest among the groups gnomAD compares: African/African-American, 0.056%; 1 homozygote.

Submissions (4):

PreventionGenetics, part of Exact Sciences
Classification: Likely benign for TSPEAR-related condition. Last evaluated: 2026-07-17. Review status: criteria provided, single submitter. Criteria: ACMG Guidelines, 2015. Collection method: clinical testing. Allele origin: germline.
Comment: This variant is classified as likely benign based on ACMG/AMP sequence variant interpretation guidelines (Richards et al. 2015 PMID: 25741868, with internal and published modifications).

Labcorp Genetics (formerly Invitae), Labcorp
Classification: Likely benign. Last evaluated: 2025-03-29. Review status: criteria provided, single submitter. Criteria: Invitae Variant Classification Sherloc (09022015). Collection method: clinical testing. Allele origin: germline.

Blueprint Genetics
Classification: Likely benign. Last evaluated: 2024-07-03. Review status: criteria provided, single submitter. Criteria: ACMG Guidelines, 2015. Collection method: clinical testing. Allele origin: germline.

Laboratory for Molecular Medicine, Mass General Brigham Personalized Medicine
Classification: Likely benign. Last evaluated: 2014-11-24. Review status: criteria provided, single submitter. Criteria: LMM Criteria. Collection method: clinical testing. Allele origin: germline. Observed: 1 variant allele.
Comment: Tyr508Tyr in exon 9 of TSPEAR: This variant is not expected to have clinical sig nificance because it does not alter an amino acid residue and is not located wit hin the splice consensus sequence. It has been identified in 0.1% (4/4406) of Af rican American chromosomes from a broad population by the NHLBI Exome Sequencing Project (dbSNP rs140557785).

NM_144991.3(TSPEAR):c.1524C>T (p.Tyr508=)

Gene: TSPEAR (thrombospondin type laminin G domain and EAR repeats; minus strand). Cytogenetic location: 21q22.3.
Variant type: single nucleotide variant.
Coding change: c.1524C>T on transcript NM_144991.3 (MANE Select); coding-DNA position 1524, C replaced by T.
Protein change: p.Tyr508=; no amino-acid change (tyrosine 508 retained).
Molecular consequence: synonymous variant.
Genome position (GRCh38, 1-based): chr21:44,521,925, G>A on the plus strand (C>T on the coding strand, the complement: TSPEAR is on the minus strand). VCF-style: chr21-44521925-G-A. GRCh37 (hg19) VCF-style: chr21-45941808-G-A.
Other names: c.1320C>T, p.Tyr440= (NM_001272037.2).
Identifiers: ClinVar variation 228048 (VCV000228048.11), dbSNP rs140557785, ClinGen allele CA10056548.